The following is an entry in ClinVar:

NM_001754.5(RUNX1):c.1311C>G (p.Thr437=)

Gene: RUNX1 (RUNX family transcription factor 1; minus strand). Cytogenetic location: 21q22.12.
Variant type: single nucleotide variant.
Coding change: c.1311C>G on transcript NM_001754.5 (MANE Select); coding-DNA position 1311, C replaced by G.
Protein change: p.Thr437=; no amino-acid change (threonine 437 retained).
Molecular consequence: synonymous variant.
Genome position (GRCh38, 1-based): chr21:34,792,267, G>C on the plus strand (C>G on the coding strand, the complement: RUNX1 is on the minus strand). VCF-style: chr21-34792267-G-C. GRCh37 (hg19) VCF-style: chr21-36164564-G-C.
Other names: NM_001754.5(RUNX1):c.1311C>G; p.Thr437=; c.1230C>G, p.Thr410= (NM_001001890.3).
Identifiers: ClinVar variation 463981 (VCV000463981.13), dbSNP rs1555884827, ClinGen allele CA512341068.

ClinVar aggregate classification (germline): Likely benign. Review status: reviewed by expert panel (3 of 4 stars). 3 submissions from 3 submitters: Likely benign (1). 2 of the submissions do not count toward it. Last evaluated 2022-07-07.

Conditions:
Inborn genetic diseases. Identifiers: MedGen C0950123, MeSH D030342.
Hereditary thrombocytopenia and hematologic cancer predisposition syndrome. Identifiers: Orphanet 71290, MedGen CN281654, MONDO:0011071.
Hereditary thrombocytopenia and hematological cancer predisposition syndrome associated with RUNX1. Also called: PLATELET DISORDER, ASPIRIN-LIKE; Familial Platelet Disorder with Propensity to Acute Myelogenous Leukemia; Familial thrombocytopenia with propensity to acute myelogenous leukemia; RUNX1 Familial Platelet Disorder with Associated Myeloid Malignancies. Identifiers: Orphanet 71290, MedGen C1832388, MeSH C563324, MONDO:0100083, OMIM 601399.

Allele frequency attached by ClinVar (database versions not stated): gnomAD exomes 0.00001.
gnomAD v4.1: 12 of 1,539,444 alleles (0.00078%); highest among the groups gnomAD compares: Non-Finnish European, 0.00087%; no homozygotes.

Submissions (3):

ClinGen Myeloid Malignancy Variant Curation Expert Panel
Classification: Likely benign for Hereditary thrombocytopenia and hematologic cancer predisposition syndrome. Last evaluated: 2022-07-07. Review status: reviewed by expert panel. Criteria: ClinGen MyeloMalig ACMG Specifications v2. Collection method: curation. Allele origin: germline. Inheritance: Autosomal dominant inheritance.
Comment: NM_001754.5(RUNX1):c.1311C>G (p.Thr437=) is s synonymous variant. Computation evidence is not calculable for the effect of this SYNONYMOUS variant on protein function. The REVEL score is not calculable. Splice AI predicts a 0.00 score for acceptor loss, donor loss, acceptor gain, and donor gain(BP4). Evolutionary conservation prediction algorithms predict the site as not being conserved (PhyloP score -3.62398 < 2.0)(BP7). This synonymous variant is absent from all examined population databases with at least 20x coverage for RUNX1(PM2_supporting). In summary, this variant meets criteria to be classified as likely benign. ACMG/AMP criteria applied, as specified by the Myeloid Malignancy Variant Curation Expert Panel for RUNX1: BP4, BP7, PM2_supporting

Labcorp Genetics (formerly Invitae), Labcorp
Classification: Likely benign for Hereditary thrombocytopenia and hematological cancer predisposition syndrome associated with RUNX1. Last evaluated: 2025-06-22. Review status: criteria provided, single submitter. Criteria: Invitae Variant Classification Sherloc (09022015). Collection method: clinical testing. Allele origin: germline. Not counted in ClinVar's aggregate classification.

Ambry Genetics
Classification: Likely benign for Inborn genetic diseases. Last evaluated: 2024-12-16. Review status: criteria provided, single submitter. Criteria: Ambry Variant Classification Scheme 2023. Collection method: clinical testing. Allele origin: germline. Not counted in ClinVar's aggregate classification.